The following is an entry in ClinVar:

NM_000051.4(ATM):c.7564C>A (p.Gln2522Lys)

Genes: ATM (ATM serine/threonine kinase; plus strand), C11orf65 (chromosome 11 open reading frame 65; minus strand). Cytogenetic location: 11q22.3.
Variant type: single nucleotide variant.
Coding change: c.7564C>A on transcript NM_000051.4 (MANE Select); coding-DNA position 7564, C replaced by A.
Protein change: p.Gln2522Lys; replaces glutamine 2522 with lysine.
Molecular consequence: missense variant. On other transcripts: non-coding transcript variant (1), intron variant (2).
Genome position (GRCh38, 1-based): chr11:108,331,492, C>A. VCF-style: chr11-108331492-C-A. GRCh37 (hg19) VCF-style: chr11-108202219-C-A.
Other names: c.7564C>A, p.Gln2522Lys (NM_001351834.2); c.641-22421G>T (NM_001330368.2); c.*38+3728G>T (NM_001351110.2); short protein forms Q2522K.
Identifiers: ClinVar variation 1307004 (VCV001307004.4), dbSNP rs1591167598, ClinGen allele CA382560735.

ClinVar aggregate classification (germline): Uncertain significance (1 of 4 stars; one submission).

Submission:

GeneDx
Classification: Uncertain significance. Last evaluated: 2019-07-05. Review status: criteria provided, single submitter. Criteria: GeneDx Variant Classification Process June 2021. Collection method: clinical testing. Allele origin: germline. Affected: yes.
Comment: Not observed in large population cohorts (Lek et al., 2016); In silico analysis, which includes protein predictors and evolutionary conservation, supports a deleterious effect; Has not been previously published as pathogenic or benign to our knowledge